The following is an entry in ClinVar:

NM_152743.4(BRAT1):c.1124T>C (p.Leu375Pro)

Gene: BRAT1 (BRCA1 associated ATM activator 1; minus strand). Cytogenetic location: 7p22.3.
Variant type: single nucleotide variant.
Coding change: c.1124T>C on transcript NM_152743.4 (MANE Select); coding-DNA position 1124, T replaced by C.
Protein change: p.Leu375Pro; replaces leucine 375 with proline.
Molecular consequence: missense variant. On other transcripts: non-coding transcript variant (1).
Genome position (GRCh38, 1-based): chr7:2,541,728, A>G on the plus strand (T>C on the coding strand, the complement: BRAT1 is on the minus strand). VCF-style: chr7-2541728-A-G. GRCh37 (hg19) VCF-style: chr7-2581362-A-G.
Other names: c.1124T>C, p.Leu375Pro (NM_001350626.2); c.599T>C, p.Leu200Pro (NM_001350627.2); short protein forms L200P, L375P.
Identifiers: ClinVar variation 1506588 (VCV001506588.9), dbSNP rs749500692, ClinGen allele CA4127931.
Genomic context (GRCh38, chr7:2,541,728, plus strand): 5'-ACCGCCAGCGTGGATGCTGCTGGGCTGCATGAGGACCGGGCCGCACCTACCAGCGGCTGC[A>G]GCTCCTCCAGGTGAGCCAGGGTGCGGCACAGGAGGCCGGCGCAGGACGACTTGGAGGCCA-3'
Protein context (NP_689956.2, residues 365-385): LCRTLAHLEE[Leu375Pro]QPLPQRPSPW

ClinVar aggregate classification (germline): Uncertain significance. Review status: criteria provided, multiple submitters, no conflicts (2 of 4 stars). 2 submissions from 2 submitters: Uncertain significance (2). Last evaluated 2022-12-06.

Conditions:
Neonatal-onset encephalopathy with rigidity and seizures. Also called: Lethal neonatal spasticity-epileptic encephalopathy syndrome. Identifiers: Orphanet 435845, MedGen C3281029, MONDO:0013784, OMIM 614498.

Allele frequency attached by ClinVar (database versions not stated): ExAC 0.00001; gnomAD exomes 0.00002 and 0.00003; gnomAD 0.00003 and 0.00004.

Submissions (2):

Labcorp Genetics (formerly Invitae), Labcorp
Classification: Uncertain significance for Neonatal-onset encephalopathy with rigidity and seizures. Last evaluated: 2022-12-06. Review status: criteria provided, single submitter. Criteria: Invitae Variant Classification Sherloc (09022015). Collection method: clinical testing. Allele origin: germline.
Comment: In summary, the available evidence is currently insufficient to determine the role of this variant in disease. Therefore, it has been classified as a Variant of Uncertain Significance. Advanced modeling of protein sequence and biophysical properties (such as structural, functional, and spatial information, amino acid conservation, physicochemical variation, residue mobility, and thermodynamic stability) performed at Invitae indicates that this missense variant is expected to disrupt BRAT1 protein function. ClinVar contains an entry for this variant (Variation ID: 1506588). This variant has not been reported in the literature in individuals affected with BRAT1-related conditions. The frequency data for this variant in the population databases is considered unreliable, as metrics indicate poor data quality at this position in the gnomAD database. This sequence change replaces leucine, which is neutral and non-polar, with proline, which is neutral and non-polar, at codon 375 of the BRAT1 protein (p.Leu375Pro).

Blueprint Genetics
Classification: Uncertain significance. Last evaluated: 2020-07-03. Review status: criteria provided, single submitter. Criteria: ACMG Guidelines, 2015. Collection method: clinical testing. Allele origin: germline.